The following is an entry in ClinVar:

ClinVar aggregate classification (germline): Conflicting classifications of pathogenicity. Review status: criteria provided, conflicting classifications (1 of 4 stars). 2 submissions from 2 submitters: Uncertain significance (1); Likely benign (1). Last evaluated 2024-08-26.

Conditions:
Hereditary cancer-predisposing syndrome. Also called: Hereditary Cancer Syndrome; Neoplastic Syndromes, Hereditary; Tumor predisposition; Hereditary neoplastic syndrome. Identifiers: Orphanet 140162, MedGen C0027672, MeSH D009386, MONDO:0015356.

Submissions (2):

Quest Diagnostics Nichols Institute San Juan Capistrano
Classification: Uncertain significance. Last evaluated: 2024-08-26. Review status: criteria provided, single submitter. Criteria: Quest Diagnostics criteria. Collection method: clinical testing. Allele origin: unknown.
Comment: The BMPR1A c.507C>T (p.Ile169=) synonymous variant has not been reported in individuals with BMPR1A-related conditions in the published literature. It also has not been reported in large, multi-ethnic general populations (Genome Aggregation Database). Analysis of this variant using software algorithms for the prediction of the effect of nucleotide changes on splicing yielded predictions that this variant does not affect BMPR1A mRNA splicing. Based on the available information, we are unable to determine the clinical significance of this variant.

Ambry Genetics
Classification: Likely benign for Hereditary cancer-predisposing syndrome. Last evaluated: 2021-10-03. Review status: criteria provided, single submitter. Criteria: Ambry Variant Classification Scheme 2023. Collection method: clinical testing. Allele origin: germline.

NM_004329.3(BMPR1A):c.507C>T (p.Ile169=)

Gene: BMPR1A (bone morphogenetic protein receptor type 1A; plus strand). Cytogenetic location: 10q23.2.
Variant type: single nucleotide variant.
Coding change: c.507C>T on transcript NM_004329.3 (MANE Select); coding-DNA position 507, C replaced by T.
Protein change: p.Ile169=; no amino-acid change (isoleucine 169 retained).
Molecular consequence: synonymous variant. On other transcripts: non-coding transcript variant (3), intron variant (1).
Genome position (GRCh38, 1-based): chr10:86,900,103, C>T. VCF-style: chr10-86900103-C-T. GRCh37 (hg19) VCF-style: chr10-88659860-C-T.
Other names: c.507C>T, p.Ile169= (NM_001406559.1, NM_001406560.1, NM_001406561.1 and 22 more transcripts); c.423C>T, p.Ile141= (NM_001406584.1, NM_001406585.1, NM_001406586.1 and 2 more transcripts); c.333+7874C>T (NM_001406589.1).
Identifiers: ClinVar variation 1745204 (VCV001745204.3), dbSNP rs2539495484, ClinGen allele CA470307160.